The following is an entry in ClinVar:

ClinVar aggregate classification (germline): Uncertain significance (1 of 4 stars; one submission).

Allele frequency attached by ClinVar (database versions not stated): gnomAD exomes below 0.00001; gnomAD 0.00002.
gnomAD v4.1: 4 of 1,612,300 alleles (0.00025%); highest among the groups gnomAD compares: African/African-American, 0.0053%; no homozygotes.

Submission:

Ambry Genetics
Classification: Uncertain significance. Last evaluated: 2022-10-27. Review status: criteria provided, single submitter. Criteria: Ambry Variant Classification Scheme 2023. Collection method: clinical testing. Allele origin: germline.
Comment: The p.I284V variant (also known as c.850A>G), located in coding exon 6 of the CTNNA3 gene, results from an A to G substitution at nucleotide position 850. The isoleucine at codon 284 is replaced by valine, an amino acid with highly similar properties. This amino acid position is conserved. In addition, this alteration is predicted to be tolerated by in silico analysis. Since supporting evidence is limited at this time, the clinical significance of this alteration remains unclear.

NM_013266.4(CTNNA3):c.850A>G (p.Ile284Val)

Gene: CTNNA3 (catenin alpha 3; minus strand). Cytogenetic location: 10q21.3.
Variant type: single nucleotide variant.
Coding change: c.850A>G on transcript NM_013266.4 (MANE Select); coding-DNA position 850, A replaced by G.
Protein change: p.Ile284Val; replaces isoleucine 284 with valine.
Molecular consequence: missense variant.
Genome position (GRCh38, 1-based): chr10:67,180,514, T>C on the plus strand (A>G on the coding strand, the complement: CTNNA3 is on the minus strand). VCF-style: chr10-67180514-T-C. GRCh37 (hg19) VCF-style: chr10-68940272-T-C.
Other names: c.850A>G, p.Ile284Val (NM_001127384.3); c.886A>G, p.Ile296Val (NM_001291133.2); short protein forms I284V, I296V.
Identifiers: ClinVar variation 1763671 (VCV001763671.2), dbSNP rs1431076048, ClinGen allele CA377097108.